The following is an entry in ClinVar:

ClinVar aggregate classification (germline): Uncertain significance (1 of 4 stars; one submission).

Conditions:
Hereditary spastic paraplegia 8 (SPG8). Also called: SPASTIC PARAPLEGIA 8, AUTOSOMAL DOMINANT. Identifiers: Orphanet 100989, MedGen C1863704, MONDO:0011339, OMIM 603563.
Ritscher-Schinzel syndrome. Also called: CRANIOCEREBELLOCARDIAC DYSPLASIA. Identifiers: Orphanet 7, MedGen C0796137, MONDO:0019078.

Allele frequency attached by ClinVar (database versions not stated): TOPMed 0.00003; gnomAD 0.00001.
gnomAD v4.1: 3 of 1,605,624 alleles (0.00019%); highest among the groups gnomAD compares: East Asian, 0.0045%; no homozygotes.

Submission:

Labcorp Genetics (formerly Invitae), Labcorp
Classification: Uncertain significance for Ritscher-Schinzel syndrome; Hereditary spastic paraplegia 8. Last evaluated: 2024-01-14. Review status: criteria provided, single submitter. Criteria: Invitae Variant Classification Sherloc (09022015). Collection method: clinical testing. Allele origin: germline.
Comment: This sequence change replaces methionine, which is neutral and non-polar, with threonine, which is neutral and polar, at codon 949 of the WASHC5 protein (p.Met949Thr). The frequency data for this variant in the population databases is considered unreliable, as metrics indicate poor data quality at this position in the gnomAD database. This variant has not been reported in the literature in individuals affected with WASHC5-related conditions. ClinVar contains an entry for this variant (Variation ID: 1430957). Advanced modeling of protein sequence and biophysical properties (such as structural, functional, and spatial information, amino acid conservation, physicochemical variation, residue mobility, and thermodynamic stability) performed at Invitae indicates that this missense variant is not expected to disrupt WASHC5 protein function with a negative predictive value of 80%. In summary, the available evidence is currently insufficient to determine the role of this variant in disease. Therefore, it has been classified as a Variant of Uncertain Significance.

NM_014846.4(WASHC5):c.2846T>C (p.Met949Thr)

Genes: WASHC5 (WASH complex subunit 5; minus strand), WASHC5-AS1 (WASHC5 antisense RNA 1; plus strand). Cytogenetic location: 8q24.13.
Variant type: single nucleotide variant.
Coding change: c.2846T>C on transcript NM_014846.4 (MANE Select); coding-DNA position 2846, T replaced by C.
Protein change: p.Met949Thr; replaces methionine 949 with threonine.
Molecular consequence: missense variant.
Genome position (GRCh38, 1-based): chr8:125,043,829, A>G on the plus strand (T>C on the coding strand, the complement: WASHC5 is on the minus strand). VCF-style: chr8-125043829-A-G. GRCh37 (hg19) VCF-style: chr8-126056071-A-G.
Other names: c.2402T>C, p.Met801Thr (NM_001330609.2); short protein forms M801T, M949T.
Identifiers: ClinVar variation 1430957 (VCV001430957.6), dbSNP rs1182525812, ClinGen allele CA372186914.